The following is an entry in ClinVar:

ClinVar aggregate classification (germline): Uncertain significance. Review status: criteria provided, multiple submitters, no conflicts (2 of 4 stars). 3 submissions from 3 submitters: Uncertain significance (3). Last evaluated 2024-04-30.

Conditions:
Rienhoff syndrome. Also called: LOEYS-DIETZ SYNDROME 5. Identifiers: MedGen C3810012, MONDO:0014262, OMIM 615582.

Allele frequency attached by ClinVar (database versions not stated): TOPMed below 0.00001.

Submissions (3):

GeneDx
Classification: Uncertain significance. Last evaluated: 2024-04-30. Review status: criteria provided, single submitter. Criteria: GeneDx Variant Classification Process June 2021. Collection method: clinical testing. Allele origin: germline. Affected: yes.
Comment: Has not been previously published as pathogenic or benign to our knowledge; Not observed at significant frequency in large population cohorts (gnomAD); In silico analysis indicates that this missense variant does not alter protein structure/function

Women's Health and Genetics/Laboratory Corporation of America, LabCorp
Classification: Uncertain significance. Last evaluated: 2023-10-09. Review status: criteria provided, single submitter. Criteria: LabCorp Variant Classification Summary - May 2015. Collection method: clinical testing. Allele origin: germline.

Labcorp Genetics (formerly Invitae), Labcorp
Classification: Uncertain significance for Rienhoff syndrome. Last evaluated: 2023-07-28. Review status: criteria provided, single submitter. Criteria: Invitae Variant Classification Sherloc (09022015). Collection method: clinical testing. Allele origin: germline.
Comment: In summary, the available evidence is currently insufficient to determine the role of this variant in disease. Therefore, it has been classified as a Variant of Uncertain Significance. Advanced modeling of protein sequence and biophysical properties (such as structural, functional, and spatial information, amino acid conservation, physicochemical variation, residue mobility, and thermodynamic stability) performed at Invitae indicates that this missense variant is not expected to disrupt TGFB3 protein function. ClinVar contains an entry for this variant (Variation ID: 2429654). This variant has not been reported in the literature in individuals affected with TGFB3-related conditions. This variant is not present in population databases (gnomAD no frequency). This sequence change replaces threonine, which is neutral and polar, with asparagine, which is neutral and polar, at codon 395 of the TGFB3 protein (p.Thr395Asn).

NM_003239.5(TGFB3):c.1184C>A (p.Thr395Asn)

Gene: TGFB3 (transforming growth factor beta 3; minus strand). Cytogenetic location: 14q24.3.
Variant type: single nucleotide variant.
Coding change: c.1184C>A on transcript NM_003239.5 (MANE Select); coding-DNA position 1184, C replaced by A.
Protein change: p.Thr395Asn; replaces threonine 395 with asparagine.
Molecular consequence: missense variant.
Genome position (GRCh38, 1-based): chr14:75,959,242, G>T on the plus strand (C>A on the coding strand, the complement: TGFB3 is on the minus strand). VCF-style: chr14-75959242-G-T. GRCh37 (hg19) VCF-style: chr14-76425585-G-T.
Other names: c.1184C>A, p.Thr395Asn (NM_001329939.2); short protein forms T395N.
Identifiers: ClinVar variation 2429654 (VCV002429654.6), dbSNP rs1284626226, ClinGen allele CA390466854.